The following is an entry in ClinVar:

NM_000222.3(KIT):c.503C>G (p.Ala168Gly)

Gene: KIT (KIT proto-oncogene, receptor tyrosine kinase; plus strand). Cytogenetic location: 4q12.
Variant type: single nucleotide variant.
Coding change: c.503C>G on transcript NM_000222.3 (MANE Select); coding-DNA position 503, C replaced by G.
Protein change: p.Ala168Gly; replaces alanine 168 with glycine.
Molecular consequence: missense variant.
Genome position (GRCh38, 1-based): chr4:54,698,449, C>G. VCF-style: chr4-54698449-C-G. GRCh37 (hg19) VCF-style: chr4-55564615-C-G.
Other names: c.503C>G, p.Ala168Gly (NM_001093772.2, NM_001385284.1, NM_001385285.1 and 4 more transcripts); short protein forms A168G.
Identifiers: ClinVar variation 1744939 (VCV001744939.8), dbSNP rs149092990, ClinGen allele CA356897727.
Genomic context (GRCh38, chr4:54,698,449, plus strand): 5'-TCAAGGGGTGCCAGGGGAAGCCTCTTCCCAAGGACTTGAGGTTTATTCCTGACCCCAAGG[C>G]GGGCATCATGATCAAAAGTGTGAAACGCGCCTACCATCGGCTCTGTCTGCATTGTTCTGT-3'
Protein context (NP_000213.1, residues 158-178): KDLRFIPDPK[Ala168Gly]GIMIKSVKRA

ClinVar aggregate classification (germline): Uncertain significance. Review status: criteria provided, multiple submitters, no conflicts (2 of 4 stars). 2 submissions from 2 submitters: Uncertain significance (2). Last evaluated 2025-01-02.

Conditions:
Hereditary cancer-predisposing syndrome. Also called: Neoplastic Syndromes, Hereditary; Tumor predisposition; Hereditary Cancer Syndrome; Hereditary neoplastic syndrome. Identifiers: Orphanet 140162, MedGen C0027672, MeSH D009386, MONDO:0015356.
Gastrointestinal stromal tumor. Also called: Gastrointestinal stromal tumor, somatic; Gastrointestinal stroma tumor. Identifiers: Orphanet 44890, MedGen C0238198, MeSH D046152, MONDO:0011719, OMIM 606764, HP:0100723.

gnomAD v4.1: 2 of 1,614,148 alleles (0.00012%); highest among the groups gnomAD compares: Non-Finnish European, 0.00017%; no homozygotes.

Submissions (2):

Ambry Genetics
Classification: Uncertain significance for Hereditary cancer-predisposing syndrome. Last evaluated: 2025-01-02. Review status: criteria provided, single submitter. Criteria: Ambry Variant Classification Scheme 2023. Collection method: clinical testing. Allele origin: germline.
Comment: The p.A168G variant (also known as c.503C>G), located in coding exon 3 of the KIT gene, results from a C to G substitution at nucleotide position 503. The alanine at codon 168 is replaced by glycine, an amino acid with similar properties. This amino acid position is conserved. In addition, this alteration is predicted to be tolerated by in silico analysis. Since supporting evidence is limited at this time, the clinical significance of this alteration remains unclear.

Labcorp Genetics (formerly Invitae), Labcorp
Classification: Uncertain significance for Gastrointestinal stromal tumor. Last evaluated: 2024-04-03. Review status: criteria provided, single submitter. Criteria: Invitae Variant Classification Sherloc (09022015). Collection method: clinical testing. Allele origin: germline.
Comment: This sequence change replaces alanine, which is neutral and non-polar, with glycine, which is neutral and non-polar, at codon 168 of the KIT protein (p.Ala168Gly). This variant is not present in population databases (gnomAD no frequency). This variant has not been reported in the literature in individuals affected with KIT-related conditions. ClinVar contains an entry for this variant (Variation ID: 1744939). An algorithm developed to predict the effect of missense changes on protein structure and function (PolyPhen-2) suggests that this variant is likely to be tolerated. In summary, the available evidence is currently insufficient to determine the role of this variant in disease. Therefore, it has been classified as a Variant of Uncertain Significance.